The following is an entry in ClinVar:

ClinVar aggregate classification (germline): Conflicting classifications of pathogenicity. Review status: criteria provided, conflicting classifications (1 of 4 stars). 5 submissions from 5 submitters: Uncertain significance (1); Likely benign (3). 1 of the submissions does not count toward it. Last evaluated 2026-02-01.

Conditions:
Epidermolysis bullosa simplex, Ogna type (EBS5A). Also called: Pidermolysis bullosa simplex 5A, Ogna type; EPIDERMOLYSIS BULLOSA SIMPLEX 5A, OGNA TYPE. Identifiers: Orphanet 79401, MedGen C0432317, MONDO:0007555, OMIM 131950.
Epidermolysis bullosa simplex with nail dystrophy (EBS5D). Identifiers: MedGen C4225309, MONDO:0014661, OMIM 616487.
Autosomal recessive limb-girdle muscular dystrophy type 2Q (LGMDR17). Also called: MUSCULAR DYSTROPHY, LIMB-GIRDLE, AUTOSOMAL RECESSIVE 17. Identifiers: Orphanet 254361, MedGen C3150989, MONDO:0013390, OMIM 613723.
Epidermolysis bullosa simplex 5C, with pyloric atresia (EBS5C). Also called: Epidermolysis bullosa simplex with pyloric atresia; PLEC1-Related Epidermolysis Bullosa with Pyloric Atresia; PLEC-Related Epidermolysis Bullosa with Pyloric Atresia. Identifiers: Orphanet 158684, MedGen C2677349, MONDO:0012807, OMIM 612138.
Epidermolysis bullosa simplex 5B, with muscular dystrophy (EBS5B). Also called: Epidermolysis bullosa simplex with muscular dystrophy; EPIDERMOLYSIS BULLOSA SIMPLEX AND LIMB-GIRDLE MUSCULAR DYSTROPHY. Identifiers: Orphanet 257, MedGen C2931072, MONDO:0009181, OMIM 226670.
PLEC-related disorder. Also called: PLEC-related disorders; PLEC-related condition.

Allele frequency attached by ClinVar (database versions not stated): ESP Exome Variant Server 0.00008; gnomAD exomes 0.00008 and 0.00010; ExAC 0.00011; 1000 Genomes Project 30x 0.00016; 1000 Genomes Project 0.00040; gnomAD 0.00045 and 0.00048; TOPMed 0.00049.
gnomAD v4.1: 195 of 1,613,888 alleles (0.012%); highest among the groups gnomAD compares: African/African-American, 0.11%; no homozygotes.

Submissions (5):

CeGaT Center for Human Genetics Tuebingen
Classification: Likely benign. Last evaluated: 2026-02-01. Review status: criteria provided, single submitter. Criteria: CeGaT Center For Human Genetics Tuebingen Variant Classification Criteria Version 2. Collection method: clinical testing. Allele origin: germline. Affected: yes. Observed: 1 variant allele.
Comment: PLEC: BP4, BP7

Labcorp Genetics (formerly Invitae), Labcorp
Classification: Likely benign for Autosomal recessive limb-girdle muscular dystrophy type 2Q; Epidermolysis bullosa simplex, Ogna type; Epidermolysis bullosa simplex with nail dystrophy; Epidermolysis bullosa simplex 5C, with pyloric atresia; Epidermolysis bullosa simplex 5B, with muscular dystrophy. Last evaluated: 2025-12-11. Review status: criteria provided, single submitter. Criteria: Invitae Variant Classification Sherloc (09022015). Collection method: clinical testing. Allele origin: germline.

Blueprint Genetics
Classification: Likely benign. Last evaluated: 2023-09-07. Review status: criteria provided, single submitter. Criteria: ACMG Guidelines, 2015. Collection method: clinical testing. Allele origin: germline.

Eurofins Ntd Llc (ga)
Classification: Uncertain significance. Last evaluated: 2018-05-25. Review status: criteria provided, single submitter. Criteria: EGL ClinVar v180209 classification definitions. Collection method: clinical testing. Allele origin: germline. Observed: 6 variant alleles, 4 heterozygotes.

PreventionGenetics, part of Exact Sciences
Classification: Likely benign for PLEC-related condition. Last evaluated: 2019-05-23. Review status: no assertion criteria provided. Collection method: clinical testing. Allele origin: germline. Not counted in ClinVar's aggregate classification.
Comment: This variant is classified as likely benign based on ACMG/AMP sequence variant interpretation guidelines (Richards et al. 2015 PMID: 25741868, with internal and published modifications).

NM_201384.3(PLEC):c.8496C>T (p.Arg2832=)

Gene: PLEC (plectin; minus strand). Cytogenetic location: 8q24.3.
Variant type: single nucleotide variant.
Coding change: c.8496C>T on transcript NM_201384.3 (MANE Select); coding-DNA position 8496, C replaced by T.
Protein change: p.Arg2832=; no amino-acid change (arginine 2832 retained).
Molecular consequence: synonymous variant.
Genome position (GRCh38, 1-based): chr8:143,921,325, G>A on the plus strand (C>T on the coding strand, the complement: PLEC is on the minus strand). VCF-style: chr8-143921325-G-A. GRCh37 (hg19) VCF-style: chr8-144995493-G-A.
Other names: c.8577C>T, p.Arg2859= (NM_000445.5); c.8454C>T, p.Arg2818= (NM_201378.4); c.8430C>T, p.Arg2810= (NM_201379.3); c.8907C>T, p.Arg2969= (NM_201380.4); c.8400C>T, p.Arg2800= (NM_201381.3); c.8496C>T, p.Arg2832= (NM_201382.4); c.8508C>T, p.Arg2836= (NM_201383.3).
Identifiers: ClinVar variation 283970 (VCV000283970.21), dbSNP rs369013440, ClinGen allele CA4925288.